The following is an entry in ClinVar:

NM_020433.5(JPH2):c.1043A>G (p.Lys348Arg)

Gene: JPH2 (junctophilin 2; minus strand). Cytogenetic location: 20q13.12.
Variant type: single nucleotide variant.
Coding change: c.1043A>G on transcript NM_020433.5 (MANE Select); coding-DNA position 1043, A replaced by G.
Protein change: p.Lys348Arg; replaces lysine 348 with arginine.
Molecular consequence: missense variant.
Genome position (GRCh38, 1-based): chr20:44,159,744, T>C on the plus strand (A>G on the coding strand, the complement: JPH2 is on the minus strand). VCF-style: chr20-44159744-T-C. GRCh37 (hg19) VCF-style: chr20-42788384-T-C.
Other names: short protein forms K348R.
Identifiers: ClinVar variation 1774670 (VCV001774670.4), dbSNP rs774311922, ClinGen allele CA9868762.
Genomic context (GRCh38, chr20:44,159,744, plus strand): 5'-TGCTCCACTTTCTGGCGGACCTTGTTGCTCTTGAGCTGCAGCATGCGGCGCTTGGTGTCC[T>C]TGACCAGCACGTTGTGGCGGTACTTGCCCTCCTCGCGGTGGCCGTCGGGCAGCGTGGTGC-3'
Protein context (NP_065166.2, residues 338-358): EGKYRHNVLV[Lys348Arg]DTKRRMLQLK

ClinVar aggregate classification (germline): Uncertain significance. Review status: criteria provided, multiple submitters, no conflicts (2 of 4 stars). 2 submissions from 2 submitters: Uncertain significance (2). Last evaluated 2026-02-26.

Conditions:
Cardiovascular phenotype. Identifiers: MedGen CN230736.

Allele frequency attached by ClinVar (database versions not stated): gnomAD exomes below 0.00001; gnomAD 0.00001; TOPMed 0.00001; ExAC 0.00002.
gnomAD v4.1: 4 of 1,613,664 alleles (0.00025%); highest among the groups gnomAD compares: East Asian, 0.0045%; no homozygotes.

Submissions (2):

GeneDx
Classification: Uncertain significance. Last evaluated: 2026-02-26. Review status: criteria provided, single submitter. Criteria: GeneDx Variant Classification Process June 2021. Collection method: clinical testing. Allele origin: germline.
Comment: Not observed at significant frequency in large population cohorts (gnomAD); In silico analysis suggests that this missense variant does not alter protein structure/function; Has not been previously published as pathogenic or benign to our knowledge

Ambry Genetics
Classification: Uncertain significance for Cardiovascular phenotype. Last evaluated: 2025-01-16. Review status: criteria provided, single submitter. Criteria: Ambry Variant Classification Scheme 2023. Collection method: clinical testing. Allele origin: germline.